The following is an entry in ClinVar:

ClinVar aggregate classification (germline): Uncertain significance (1 of 4 stars; one submission).

gnomAD v4.1: 2 of 1,612,020 alleles (0.00012%); highest among the groups gnomAD compares: African/African-American, 0.0013%; no homozygotes.

Submission:

Labcorp Genetics (formerly Invitae), Labcorp
Classification: Uncertain significance. Last evaluated: 2025-10-08. Review status: criteria provided, single submitter. Criteria: Invitae Variant Classification Sherloc (09022015). Collection method: clinical testing. Allele origin: germline.
Comment: This sequence change replaces valine, which is neutral and non-polar, with methionine, which is neutral and non-polar, at codon 108 of the BLK protein (p.Val108Met). The frequency data for this variant in the population databases is considered unreliable, as metrics indicate poor data quality at this position in the gnomAD database. This variant has not been reported in the literature in individuals affected with BLK-related conditions. An algorithm developed to predict the effect of missense changes on protein structure and function (PolyPhen-2) suggests that this variant is likely to be disruptive. In summary, the available evidence is currently insufficient to determine the role of this variant in disease. Therefore, it has been classified as a Variant of Uncertain Significance.

NM_001715.3(BLK):c.322G>A (p.Val108Met)

Gene: BLK (BLK proto-oncogene, Src family tyrosine kinase). Cytogenetic location: 8p23.1.
Variant type: single nucleotide variant.
Coding change: c.322G>A on transcript NM_001715.3 (MANE Select); coding-DNA position 322, G replaced by A.
Protein change: p.Val108Met; replaces valine 108 with methionine.
Molecular consequence: missense variant.
Genome position (GRCh38, 1-based): chr8:11,549,076, G>A. VCF-style: chr8-11549076-G-A. GRCh37 (hg19) VCF-style: chr8-11406585-G-A.
Other names: c.109G>A, p.Val37Met (NM_001330465.2); short protein forms V108M, V37M.
Identifiers: ClinVar variation 4767734 (VCV004767734.1).